The following is an entry in ClinVar:

ClinVar aggregate classification (germline): Conflicting classifications of pathogenicity. Review status: criteria provided, conflicting classifications (1 of 4 stars). 5 submissions from 5 submitters: Uncertain significance (2); Likely benign (3). Last evaluated 2025-10-23.

Conditions:
Hereditary cancer-predisposing syndrome. Also called: Hereditary Cancer Syndrome; Tumor predisposition; Hereditary neoplastic syndrome; Neoplastic Syndromes, Hereditary. Identifiers: Orphanet 140162, MedGen C0027672, MeSH D009386, MONDO:0015356.

Allele frequency attached by ClinVar (database versions not stated): gnomAD exomes below 0.00001 and 0.00001; gnomAD 0.00001; ESP Exome Variant Server 0.00008.
gnomAD v4.1: 22 of 1,613,860 alleles (0.0014%); highest among the groups gnomAD compares: Non-Finnish European, 0.0019%; no homozygotes.

Submissions (5):

Labcorp Genetics (formerly Invitae), Labcorp
Classification: Likely benign. Last evaluated: 2025-10-23. Review status: criteria provided, single submitter. Criteria: Invitae Variant Classification Sherloc (09022015). Collection method: clinical testing. Allele origin: germline.

Quest Diagnostics Nichols Institute San Juan Capistrano
Classification: Likely benign. Last evaluated: 2025-03-12. Review status: criteria provided, single submitter. Criteria: Quest Diagnostics criteria. Collection method: clinical testing. Allele origin: unknown.

Ambry Genetics
Classification: Uncertain significance for Hereditary cancer-predisposing syndrome. Last evaluated: 2025-01-20. Review status: criteria provided, single submitter. Criteria: Ambry Variant Classification Scheme 2023. Collection method: clinical testing. Allele origin: germline.
Comment: The c.1107-3C>T intronic variant results from a C to T substitution 3 nucleotides upstream from coding exon 12 in the POLE gene. This nucleotide position is poorly conserved in available vertebrate species. In silico splice site analysis predicts that this alteration will not have any significant effect on splicing. Based on the available evidence, the clinical significance of this variant remains unclear.

Blueprint Genetics
Classification: Likely benign. Last evaluated: 2023-04-20. Review status: criteria provided, single submitter. Criteria: ACMG Guidelines, 2015. Collection method: clinical testing. Allele origin: germline.

Laboratory for Molecular Medicine, Mass General Brigham Personalized Medicine
Classification: Uncertain significance. Last evaluated: 2016-11-22. Review status: criteria provided, single submitter. Criteria: LMM Criteria. Collection method: clinical testing. Allele origin: germline. Observed: 1 variant allele.
Comment: The c.1107-3C>T variant in POLE has not been previously reported in individuals with colorectal cancer or in large population studies. This variant is located i n the 3' splice region. Computational tools do not suggest an impact to splicing . However, this information is not predictive enough to rule out pathogenicity. In summary, the clinical significance of the c.1107-3C>T variant is uncertain.

NM_006231.4(POLE):c.1107-3C>T

Gene: POLE (DNA polymerase epsilon, catalytic subunit; minus strand). Cytogenetic location: 12q24.33.
Variant type: single nucleotide variant.
Coding change: c.1107-3C>T on transcript NM_006231.4 (MANE Select); 3 bases into the intron before coding-DNA position 1107, C replaced by T.
Molecular consequence: intron variant.
Genome position (GRCh38, 1-based): chr12:132,675,520, G>A on the plus strand (C>T on the coding strand, the complement: POLE is on the minus strand). VCF-style: chr12-132675520-G-A. GRCh37 (hg19) VCF-style: chr12-133252106-G-A.
Identifiers: ClinVar variation 517160 (VCV000517160.21), dbSNP rs369572563, ClinGen allele CA246298213.